The following is an entry in ClinVar:

NM_000428.3(LTBP2):c.4416G>A (p.Val1472=)

Gene: LTBP2 (latent transforming growth factor beta binding protein 2; minus strand). Cytogenetic location: 14q24.3.
Variant type: single nucleotide variant.
Coding change: c.4416G>A on transcript NM_000428.3 (MANE Select); coding-DNA position 4416, G replaced by A.
Protein change: p.Val1472=; no amino-acid change (valine 1472 retained).
Molecular consequence: synonymous variant.
Genome position (GRCh38, 1-based): chr14:74,504,815, C>T on the plus strand (G>A on the coding strand, the complement: LTBP2 is on the minus strand). VCF-style: chr14-74504815-C-T. GRCh37 (hg19) VCF-style: chr14-74971518-C-T.
Other names: c.4416G>A (NM_000428.2).
Identifiers: ClinVar variation 1391006 (VCV001391006.7), dbSNP rs926209142, ClinGen allele CA263579941.

ClinVar aggregate classification (germline): Likely benign (1 of 4 stars; one submission).

Allele frequency attached by ClinVar (database versions not stated): gnomAD exomes below 0.00001; gnomAD 0.00001; TOPMed 0.00006.
gnomAD v4.1: 4 of 1,614,132 alleles (0.00025%); highest among the groups gnomAD compares: Admixed American, 0.0017%; no homozygotes.

Submission:

Labcorp Genetics (formerly Invitae), Labcorp
Classification: Likely benign. Last evaluated: 2024-03-10. Review status: criteria provided, single submitter. Criteria: Invitae Variant Classification Sherloc (09022015). Collection method: clinical testing. Allele origin: germline.